The following is an entry in ClinVar:

NM_021729.6(VPS11):c.2553G>A (p.Ser851=)

Gene: VPS11 (VPS11 core subunit of CORVET and HOPS complexes; plus strand). Cytogenetic location: 11q23.3.
Variant type: single nucleotide variant.
Coding change: c.2553G>A on transcript NM_021729.6 (MANE Select); coding-DNA position 2553, G replaced by A.
Protein change: p.Ser851=; no amino-acid change (serine 851 retained).
Molecular consequence: synonymous variant. On other transcripts: non-coding transcript variant (8).
Genome position (GRCh38, 1-based): chr11:119,081,206, G>A. VCF-style: chr11-119081206-G-A. GRCh37 (hg19) VCF-style: chr11-118951916-G-A.
Other names: c.2523G>A, p.Ser841= (NM_001290185.2); c.2565G>A, p.Ser855= (NM_001378218.1, NM_001378219.1); c.2538G>A, p.Ser846= (NM_001378220.1); c.2535G>A, p.Ser845= (NM_001378221.1).
Identifiers: ClinVar variation 1624045 (VCV001624045.33), dbSNP rs782089766, ClinGen allele CA6313731.

ClinVar aggregate classification (germline): Likely benign. Review status: criteria provided, multiple submitters, no conflicts (2 of 4 stars). 3 submissions from 3 submitters: Likely benign (3). Last evaluated 2023-12-22.

Allele frequency attached by ClinVar (database versions not stated): ExAC 0.00001; gnomAD exomes 0.00002 and 0.00003; TOPMed 0.00002; gnomAD 0.00005.

Submissions (3):

Labcorp Genetics (formerly Invitae), Labcorp
Classification: Likely benign. Last evaluated: 2023-12-22. Review status: criteria provided, single submitter. Criteria: Invitae Variant Classification Sherloc (09022015). Collection method: clinical testing. Allele origin: germline.

CeGaT Center for Human Genetics Tuebingen
Classification: Likely benign. Last evaluated: 2022-09-01. Review status: criteria provided, single submitter. Criteria: CeGaT Center For Human Genetics Tuebingen Variant Classification Criteria Version 2. Collection method: clinical testing. Allele origin: germline. Affected: yes. Observed: 1 variant allele.
Comment: VPS11: BP4, BP7

Blueprint Genetics
Classification: Likely benign. Last evaluated: 2022-07-18. Review status: criteria provided, single submitter. Criteria: ACMG Guidelines, 2015. Collection method: clinical testing. Allele origin: germline.